The following is an entry in ClinVar:

NM_000069.3(CACNA1S):c.4685T>C (p.Ile1562Thr)

Gene: CACNA1S (calcium voltage-gated channel subunit alpha1 S; minus strand). Cytogenetic location: 1q32.1.
Variant type: single nucleotide variant.
Coding change: c.4685T>C on transcript NM_000069.3 (MANE Select); coding-DNA position 4685, T replaced by C.
Protein change: p.Ile1562Thr; replaces isoleucine 1562 with threonine.
Molecular consequence: missense variant.
Genome position (GRCh38, 1-based): chr1:201,044,440, A>G on the plus strand (T>C on the coding strand, the complement: CACNA1S is on the minus strand). VCF-style: chr1-201044440-A-G. GRCh37 (hg19) VCF-style: chr1-201013568-A-G.
Other names: c.4685T>C (NM_000069.2); short protein forms I1562T.
Identifiers: ClinVar variation 3366933 (VCV003366933.2).
Genomic context (GRCh38, chr1:201,044,440, plus strand): 5'-TCCTCAGCAGCCAGGTCTCCTGAGACCGTGCGACAGATCTCGGGGGCTGCCTCTTCCTCA[A>G]TGGTCCGCAGCCCTGCCTGGGGATGACGAAGGGACTCAGTTATCTCTCCAGCCCAGGAGA-3'
Protein context (NP_000060.2, residues 1552-1572): IVQIQAGLRT[Ile1562Thr]EEEAAPEICR

ClinVar aggregate classification (germline): Uncertain significance. Review status: criteria provided, multiple submitters, no conflicts (2 of 4 stars). 2 submissions from 2 submitters: Uncertain significance (2). Last evaluated 2025-06-10.

Conditions:
Congenital myopathy 18. Also called: DIHYDROPYRIDINE RECEPTOR CONGENITAL MYOPATHY; DHPR CONGENITAL MYOPATHY; Myopathy, congenital, due to dihydropyridine receptor defect. Identifiers: MedGen C5830283, MONDO:0859514, OMIM 620246.

gnomAD v4.1: 1 of 1,612,340 alleles (0.000062%); highest among the groups gnomAD compares: Non-Finnish European, 0.000085%; no homozygotes.

Submissions (2):

GeneDx
Classification: Uncertain significance. Last evaluated: 2025-06-10. Review status: criteria provided, single submitter. Criteria: GeneDx Variant Classification Process June 2021. Collection method: clinical testing. Allele origin: germline. Affected: yes.
Comment: Not observed at significant frequency in large population cohorts (gnomAD); In silico analysis supports that this missense variant has a deleterious effect on protein structure/function; Has not been previously published as pathogenic or benign to our knowledge

Institute of Immunology and Genetics Kaiserslautern
Classification: Uncertain significance for Congenital myopathy 18. Last evaluated: 2024-10-21. Review status: criteria provided, single submitter. Criteria: ACMG Guidelines, 2015. Collection method: clinical testing. Allele origin: germline. Affected: yes.
Comment: ACMG Criteria: PM2_P, PP3; Variant was found in heterozygous state